The following is an entry in ClinVar:

NM_001382347.1(MYO5A):c.735G>A (p.Glu245=)

Gene: MYO5A (myosin VA; minus strand). Cytogenetic location: 15q21.2.
Variant type: single nucleotide variant.
Coding change: c.735G>A on transcript NM_001382347.1 (MANE Select); coding-DNA position 735, G replaced by A.
Protein change: p.Glu245=; no amino-acid change (glutamic acid 245 retained).
Molecular consequence: synonymous variant.
Genome position (GRCh38, 1-based): chr15:52,410,354, C>T on the plus strand (G>A on the coding strand, the complement: MYO5A is on the minus strand). VCF-style: chr15-52410354-C-T. GRCh37 (hg19) VCF-style: chr15-52702551-C-T.
Other names: c.735G>A, p.Glu245= (NM_000259.3, NM_001142495.2, NM_001411135.1); c.807G>A, p.Glu269= (NM_001382348.1, NM_001382349.1).
Identifiers: ClinVar variation 3032914 (VCV003032914.2), dbSNP rs369192466, ClinGen allele CA270655565.

ClinVar aggregate classification (germline): Likely benign (0 of 4 stars; one submission).

Conditions:
MYO5A-related disorder. Also called: MYO5A-related condition.

Allele frequency attached by ClinVar (database versions not stated): gnomAD 0.00001; TOPMed 0.00001; gnomAD exomes 0.00005; ESP Exome Variant Server 0.00008.
gnomAD v4.1: 84 of 1,613,784 alleles (0.0052%); highest among the groups gnomAD compares: Non-Finnish European, 0.0067%; no homozygotes.

Submission:

PreventionGenetics, part of Exact Sciences
Classification: Likely benign for MYO5A-related condition. Last evaluated: 2023-10-04. Review status: no assertion criteria provided. Collection method: clinical testing. Allele origin: germline.
Comment: This variant is classified as likely benign based on ACMG/AMP sequence variant interpretation guidelines (Richards et al. 2015 PMID: 25741868, with internal and published modifications).